The following is an entry in ClinVar:

NM_003776.4(MRPL40):c.53G>A (p.Gly18Glu)

Genes: MRPL40 (mitochondrial ribosomal protein L40; plus strand), LOC130066955 (ATAC-STARR-seq lymphoblastoid silent region 13460; plus strand). Cytogenetic location: 22q11.21.
Variant type: single nucleotide variant.
Coding change: c.53G>A on transcript NM_003776.4 (MANE Select); coding-DNA position 53, G replaced by A.
Protein change: p.Gly18Glu; replaces glycine 18 with glutamic acid.
Molecular consequence: missense variant. On other transcripts: 5 prime UTR variant (1).
Genome position (GRCh38, 1-based): chr22:19,432,607, G>A. VCF-style: chr22-19432607-G-A. GRCh37 (hg19) VCF-style: chr22-19420130-G-A.
Other names: c.-332G>A (NM_001318151.2); short protein forms G18E.
Identifiers: ClinVar variation 3627873 (VCV003627873.2).

ClinVar aggregate classification (germline): Uncertain significance (1 of 4 stars; one submission).

gnomAD v4.1: 41 of 1,552,870 alleles (0.0026%); highest among the groups gnomAD compares: Non-Finnish European, 0.0035%; no homozygotes.

Submission:

Labcorp Genetics (formerly Invitae), Labcorp
Classification: Uncertain significance. Last evaluated: 2024-06-09. Review status: criteria provided, single submitter. Criteria: Invitae Variant Classification Sherloc (09022015). Collection method: clinical testing. Allele origin: germline.
Comment: This sequence change replaces glycine, which is neutral and non-polar, with glutamic acid, which is acidic and polar, at codon 18 of the MRPL40 protein (p.Gly18Glu). This variant also falls at the last nucleotide of exon 1, which is part of the consensus splice site for this exon. The frequency data for this variant in the population databases is considered unreliable, as metrics indicate poor data quality at this position in the gnomAD database. This variant has not been reported in the literature in individuals affected with MRPL40-related conditions. An algorithm developed to predict the effect of missense changes on protein structure and function (PolyPhen-2) suggests that this variant is likely to be tolerated. Variants that disrupt the consensus splice site are a relatively common cause of aberrant splicing (PMID: 17576681, 9536098). Algorithms developed to predict the effect of sequence changes on RNA splicing suggest that this variant may disrupt the consensus splice site. In summary, the available evidence is currently insufficient to determine the role of this variant in disease. Therefore, it has been classified as a Variant of Uncertain Significance.

Literature cited by the submitters: PubMed 17576681; PubMed 9536098.